The following is an entry in ClinVar:

NM_032888.4(COL27A1):c.3250-2A>G

Gene: COL27A1 (collagen type XXVII alpha 1 chain; plus strand). Cytogenetic location: 9q32.
Variant type: single nucleotide variant.
Coding change: c.3250-2A>G on transcript NM_032888.4 (MANE Select); the canonical splice acceptor site of the intron before coding-DNA position 3250, A replaced by G.
Molecular consequence: splice acceptor variant.
Genome position (GRCh38, 1-based): chr9:114,264,922, A>G. VCF-style: chr9-114264922-A-G. GRCh37 (hg19) VCF-style: chr9-117027202-A-G.
Identifiers: ClinVar variation 1523370 (VCV001523370.8), dbSNP rs2135594065, ClinGen allele CA374596151.
Genomic context (GRCh38, chr9:114,264,922, plus strand): 5'-CTTTTTGGGGAACGGTCCTCCCAAGCACCCTCTCCCACCTTCACGTGCTCTGCTTCCCAC[A>G]GGGCCCTCCAGGACCCCAGGGCAGACCGGGCCGGCCTGGACAGCAGGTATGTCAGGCCAA-3'

ClinVar aggregate classification (germline): Likely pathogenic (1 of 4 stars; one submission).

Submission:

Labcorp Genetics (formerly Invitae), Labcorp
Classification: Likely pathogenic. Last evaluated: 2021-06-18. Review status: criteria provided, single submitter. Criteria: Invitae Variant Classification Sherloc (09022015). Collection method: clinical testing. Allele origin: germline.
Comment: This sequence change affects an acceptor splice site in intron 29 of the COL27A1 gene. It is expected to disrupt RNA splicing. Variants that disrupt the donor or acceptor splice site typically lead to a loss of protein function (PMID: 16199547), and loss-of-function variants in COL27A1 are known to be pathogenic (PMID: 24986830, 28276056). This variant is not present in population databases (ExAC no frequency). This variant has not been reported in the literature in individuals with COL27A1-related conditions. Algorithms developed to predict the effect of sequence changes on RNA splicing suggest that this variant may disrupt the consensus splice site, but this prediction has not been confirmed by published transcriptional studies. In summary, the currently available evidence indicates that the variant is pathogenic, but additional data are needed to prove that conclusively. Therefore, this variant has been classified as Likely Pathogenic.

Literature cited by the submitters: PubMed 16199547; PubMed 24986830; PubMed 28276056.